The following is an entry in ClinVar:

ClinVar aggregate classification (germline): Benign (1 of 4 stars; one submission).

Conditions:
Lynch syndrome 4 (LYNCH4). Also called: Colorectal cancer, hereditary nonpolyposis, type 4; Hereditary non-polyposis colorectal cancer, type 4. Identifiers: Orphanet 144, MedGen C1838333, MONDO:0013699, OMIM 614337. Disease mechanism: loss of function.

Submission:

Myriad Genetics, Inc.
Classification: Benign for Lynch syndrome 4. Last evaluated: 2025-01-23. Review status: criteria provided, single submitter. Criteria: Myriad Autosomal Dominant, Autosomal Recessive and X-Linked Classification Criteria (2023). Collection method: clinical testing. Allele origin: unknown.
Comment: This variant is considered benign. This variant is a silent/synonymous amino acid change and it is not expected to impact splicing.

NM_000535.7(PMS2):c.141G>C (p.Leu47=)

Gene: PMS2 (PMS1 homolog 2, mismatch repair system component; minus strand). Cytogenetic location: 7p22.1.
Variant type: single nucleotide variant.
Coding change: c.141G>C on transcript NM_000535.7 (MANE Select); coding-DNA position 141, G replaced by C.
Protein change: p.Leu47=; no amino-acid change (leucine 47 retained).
Molecular consequence: synonymous variant. On other transcripts: 5 prime UTR variant (38), non-coding transcript variant (1), intron variant (7).
Genome position (GRCh38, 1-based): chr7:6,005,914, C>G on the plus strand (G>C on the coding strand, the complement: PMS2 is on the minus strand). VCF-style: chr7-6005914-C-G. GRCh37 (hg19) VCF-style: chr7-6045545-C-G.
Other names: c.-265G>C (NM_001322003.2, NM_001322005.2, NM_001322009.2 and 10 more transcripts); c.141G>C, p.Leu47= (NM_001322006.2, NM_001322014.2, NM_001406868.1 and 10 more transcripts); c.-75G>C (NM_001322007.2, NM_001406876.1, NM_001406883.1 and 4 more transcripts); c.-744G>C (NM_001322011.2, NM_001322012.2); c.-344G>C (NM_001322015.2, NM_001406875.1, NM_001406877.1 and 2 more transcripts); c.327G>C, p.Leu109= (NM_001406866.1); c.-291G>C (NM_001406880.1); c.-212G>C (NM_001406888.1, NM_001406889.1, NM_001406892.1 and 5 more transcripts); and 7 more.
Identifiers: ClinVar variation 3903478 (VCV003903478.1).